The following is an entry in ClinVar:

ClinVar aggregate classification (germline): Pathogenic (1 of 4 stars; one submission).

Conditions:
Familial cancer of breast. Also called: BREAST CANCER, FAMILIAL; hereditary breast carcinoma; Hereditary breast cancer. Identifiers: Orphanet 227535, MedGen C0346153, MONDO:0016419, OMIM 114480. Disease mechanism: loss of function.

Submission:

Labcorp Genetics (formerly Invitae), Labcorp
Classification: Pathogenic for Familial cancer of breast. Last evaluated: 2022-11-04. Review status: criteria provided, single submitter. Criteria: Invitae Variant Classification Sherloc (09022015). Collection method: clinical testing. Allele origin: germline.
Comment: This sequence change inserts a large fragment of DNA, likely a transposable element, in exon 11 of the CHEK2 gene (c.1254_1255ins?), causing a frameshift at codon 419 (p.Ile419fs). The exact size and sequence of the insertion cannot be determined by the current assay. However, the insertion is expected to result in an absent or disrupted protein product. For these reasons, this variant has been classified as Pathogenic. Retrotransposon insertions including LINE1 (L1), Alu, and SVA (SINE-VNTR-Alu) have been reported to be disease-causing through disruption of either a coding region or splice site (PMID: 19763152, 20307669, 22406018) and loss-of-function variants in CHEK2 are known to be pathogenic (PMID: 21876083, 24713400). Algorithms developed to predict the effect of sequence changes on RNA splicing suggest that this variant may disrupt the consensus splice site. This variant has not been reported in the literature in individuals affected with CHEK2-related conditions. This variant is not present in population databases (gnomAD no frequency).

Literature cited by the submitters: PubMed 19763152; PubMed 20307669; PubMed 22406018; PubMed 21876083; PubMed 24713400.

NM_007194.4(CHEK2):c.1254_1255insTTTTTTTTTTTTTTTTTTTTNNNNNNNNNNACCTCGTGATCCGCCCACCTCGGCCTCCCAAAGTGCTGGGATTACAGGCGTGAGCCACCGCGCCCGGCCCAGGAGTTATTCTTTTT (p.Ile419delinsPhePhePhePhePhePheXaaXaaXaaXaaThrSerTer)

Gene: CHEK2 (checkpoint kinase 2; minus strand). Cytogenetic location: 22q12.1.
Variant type: Microsatellite.
Coding change: c.1254_1255insTTTTTTTTTTTTTTTTTTTTNNNNNNNNNNACCTCGTGATCCGCCCACCTCGGCCTCCCAAAGTGCTGGGATTACAGGCGTGAGCCACCGCGCCCGGCCCAGGAGTTATTCTTTTT on transcript NM_007194.4 (MANE Select); coding-DNA positions 1254 to 1255, TTTTTTTTTTTTTTTTTTTTNNNNNNNNNNACCTCGTGATCCGCCCACCTCGGCCTCCCAAAGTGCTGGGATTACAGGCGTGAGCCACCGCGCCCGGCCCAGGAGTTATTCTTTTT inserted.
Protein change: p.Ile419delinsPhePhePhePhePhePheXaaXaaXaaXaaThrSerTer.
Molecular consequence: nonsense. On other transcripts: frameshift variant (4).
Genome position: GRCh38: chr22:28,695,715-28,695,730. GRCh37 (hg19): chr22:29,091,703-29,091,718.
Other names: c.1368_1383T[5][1], p.Leu456Phefs (NM_001005735.3); c.576_591T[5][1], p.Leu192Phefs (NM_001257387.3); c.1038_1053T[5][1], p.Leu346Phefs (NM_001349956.3); c.1152_1167T[5][1], p.Leu384Phefs (NM_145862.3).
Identifiers: ClinVar variation 2812052 (VCV002812052.3).